The following is an entry in ClinVar:

NM_000785.4(CYP27B1):c.1319_1325dup (p.Phe443fs)

Gene: CYP27B1 (cytochrome P450 family 27 subfamily B member 1; minus strand). Cytogenetic location: 12q14.1.
Variant type: Microsatellite.
Coding change: c.1319_1325dup on transcript NM_000785.4 (MANE Select); coding-DNA positions 1319 to 1325, 7 bases duplicated (CCCACCC; older notation c.1319_1325dupCCCACCC).
Protein change: p.Phe443fs; shifts the reading frame from phenylalanine 443.
Molecular consequence: frameshift variant.
Genome position (GRCh38, 1-based): chr12:57,763,699-57,763,705, GGGTGGG duplicated on the plus strand (CCCACCC on the coding strand, the reverse complement: CYP27B1 is on the minus strand); duplicating any 7 consecutive bases within chr12:57,763,699-57,763,712 gives the same sequence; the c. name uses the placement nearest the transcript's 3' end. VCF-style (leftmost placement, unchanged base first): chr12-57763698-T-TGGGTGGG. GRCh37 (hg19) VCF-style: chr12-58157481-T-TGGGTGGG.
Other names: c.1319_1325dup (NM_000785.3); c.1325_1326insCCCACCC (NM_000785.4); c.1319_1325dup7 (NM_000785.3); c.1319_1325dupCCCACCC (NM_000785.4); short protein forms F443fs.
Identifiers: ClinVar variation 279798 (VCV000279798.44), dbSNP rs780950819, ClinGen allele CA6658150.
Genomic context (GRCh38, chr12:57,763,698, plus strand): 5'-CTCTGCCAGGCGTCTCCCCATACAGCTGCGCTTGCCAAAGCCAAAGGGAAGAGATGCAAA[T>TGGGTGGG]GGGTGGGGGGTGGGACCCTCCCCCAGCCAGCGAGCTGGACGAAAAGAATTTGGCTCTGGG-3'

ClinVar aggregate classification (germline): Pathogenic. Review status: criteria provided, multiple submitters, no conflicts (2 of 4 stars). 20 submissions from 20 submitters: Pathogenic (16). 4 of the submissions do not count toward it. Last evaluated 2026-01-21.

Conditions:
Inborn genetic diseases. Identifiers: MedGen C0950123, MeSH D030342.
Vitamin D-dependent rickets, type 1A. Also called: VITAMIN D HYDROXYLATION-DEFICIENT RICKETS, TYPE 1A; PDDR IA; PSEUDOVITAMIN D-DEFICIENCY RICKETS, TYPE IA. Identifiers: MedGen CN283242, MONDO:0020723, OMIM 264700.
Vitamin D-dependent rickets, type 1 (VDD1). Also called: VITAMIN D DEPENDENCY, TYPE 1. Identifiers: Orphanet 289157, MedGen C0268689, MONDO:0009924.
CYP27B1-related disorder. Also called: CYP27B1-related condition.

Submissions 1 to 13 of 20:

Labcorp Genetics (formerly Invitae), Labcorp
Classification: Pathogenic. Last evaluated: 2026-01-21. Review status: criteria provided, single submitter. Criteria: Invitae Variant Classification Sherloc (09022015). Collection method: clinical testing. Allele origin: germline.
Comment: This sequence change creates a premature translational stop signal (p.Phe443Profs*24) in the CYP27B1 gene. While this is not anticipated to result in nonsense mediated decay, it is expected to disrupt the last 66 amino acid(s) of the CYP27B1 protein. The frequency data for this variant in the population databases is considered unreliable, as metrics indicate poor data quality at this position in the gnomAD database. This premature translational stop signal has been observed in individuals with vitamin D-dependent rickets (PMID: 9837822, 22443290, 25296067). It has also been observed to segregate with disease in related individuals. This variant is also known as c.1325-1326insCCCACCC and 7bpdup. ClinVar contains an entry for this variant (Variation ID: 279798). Algorithms developed to predict the effect of sequence changes on RNA splicing suggest that this variant may disrupt the consensus splice site. For these reasons, this variant has been classified as Pathogenic.

Center for Genomic Medicine, Rigshospitalet, Copenhagen University Hospital
Classification: Pathogenic. Last evaluated: 2025-12-29. Review status: criteria provided, single submitter. Criteria: ACMG Guidelines, 2015. Collection method: clinical testing. Allele origin: germline.

3billion
Classification: Pathogenic for Vitamin D-dependent rickets, type 1A. Last evaluated: 2025-04-04. Review status: criteria provided, single submitter. Criteria: ACMG Guidelines, 2015. Collection method: clinical testing. Allele origin: germline. Affected: yes.
Comment: The variant is observed at an extremely low frequency in the gnomAD v4.1.0 dataset (total allele frequency: 0.021%). Predicted Consequence/Location: Frameshift: predicted to result in a loss or disruption of normal protein function through nonsense-mediated decay (NMD) or protein truncation. Multiple pathogenic variants are reported downstream of the variant. The variant has been reported to be in trans with a pathogenic variant as either compound heterozygous or homozygous in at least one similarly affected unrelated individual (PMID: 22443290). The variant has been reported to co-segregate with the disease in at least one similarly affected relative/individual in the same family or similarly affected unrelated families (PMID: 22443290). The variant has been reported at least twice as pathogenic with clinical assertions and evidence for the classification (ClinVar ID: VCV000279798 / PMID: 9837822 / 3billion dataset). Therefore, this variant is classified as Pathogenic according to the recommendation of ACMG/AMP guideline.

Genomic Medicine Center of Excellence, King Faisal Specialist Hospital and Research Centre
Classification: Pathogenic for Vitamin D-dependent rickets, type 1A. Last evaluated: 2024-12-18. Review status: criteria provided, single submitter. Criteria: ACMG Guidelines, 2015. Collection method: clinical testing. Allele origin: germline.

Blueprint Genetics
Classification: Pathogenic for CYP27B1-related disorders. Last evaluated: 2024-07-15. Review status: criteria provided, single submitter. Criteria: ACMG Guidelines, 2015. Collection method: clinical testing. Allele origin: germline. Affected: yes. Observed: 5 variant alleles.

Fulgent Genetics
Classification: Pathogenic for Vitamin D-dependent rickets, type 1A. Last evaluated: 2024-06-07. Review status: criteria provided, single submitter. Criteria: ACMG Guidelines, 2015. Collection method: clinical testing. Allele origin: germline.

Women's Health and Genetics/Laboratory Corporation of America, LabCorp
Classification: Pathogenic for Vitamin D-dependent rickets, type 1A. Last evaluated: 2024-03-28. Review status: criteria provided, single submitter. Criteria: LabCorp Variant Classification Summary - May 2015. Collection method: clinical testing. Allele origin: germline.
Comment: Variant summary: CYP27B1 c.1319_1325dupCCCACCC (p.Phe443ProfsX24) results in a premature termination codon, predicted to cause a truncation of the encoded protein or absence of the protein. The variant allele was found at a frequency of 0.00022 in 251182 control chromosomes (gnomAD). This frequency is not significantly higher than estimated for a pathogenic variant in CYP27B1 causing Vitamin D-dependent rickets (0.00022 vs 0.0011), allowing no conclusion about variant significance. c.1319_1325dupCCCACCC has been reported in the literature in multiple individuals affected with Vitamin D-dependent rickets (example: Kaygusuz_2021). These data indicate that the variant is very likely to be associated with disease. The following publication has been ascertained in the context of this evaluation (PMID: 33386952). ClinVar contains an entry for this variant (Variation ID: 279798). Based on the evidence outlined above, the variant was classified as pathogenic.

Revvity Omics, Revvity
Classification: Pathogenic for Vitamin D-dependent rickets, type 1A. Last evaluated: 2023-06-07. Review status: criteria provided, single submitter. Criteria: ACMG Guidelines, 2015. Collection method: clinical testing. Allele origin: germline.

Payam Genetics Center, General Welfare Department of North Khorasan Province
Classification: Pathogenic for Vitamin D-dependent rickets, type 1A. Last evaluated: 2023-03-01. Review status: criteria provided, single submitter. Criteria: ACMG Guidelines, 2015. Collection method: clinical testing. Allele origin: germline. Inheritance: Autosomal recessive inheritance. Affected: no. Observed: 1 variant allele.
Comment: The p.P442fs (NM_000785.4:c.1325_1326insCCCACCC) mutation with rs780950819 on CYP2B1 gene has been reported. CYP2B1 gene is associated with autosomal recessive Vitamin D-depended rickets, Type1.

This variant is as a framshift that predicted to result in a loss or disruption of normal protein function through protein truncation. This variant is not present in population databases (ExAC no frequency) and 1000 genomes. This variant has not been reported in the literature in individuals affected with CYP27B1-related conditions and Iranom ( Iranian population genom). This variant disrupts a region of the CYP27B1 protein (p.P445fs) in whichThis suggests that this is a clinically significant , and that disrupt it is likely to be disease-causing. Therefore, this variant is classified as pathogenic according to the recommendation of ACMG/AMP guideline.

Clinical Genetics Laboratory, Skane University Hospital Lund
Classification: Pathogenic. Last evaluated: 2022-12-05. Review status: criteria provided, single submitter. Criteria: ACMG Guidelines, 2015. Collection method: clinical testing. Allele origin: germline. Affected: yes.

Laboratory of Medical Genetics, National & Kapodistrian University of Athens
Classification: Pathogenic for Vitamin D-dependent rickets, type 1A. Last evaluated: 2022-11-04. Review status: criteria provided, single submitter. Criteria: ACMG Guidelines, 2015. Collection method: clinical testing. Allele origin: germline. Affected: yes.
Comment: PVS1, PM2, PP5

GeneDx
Classification: Pathogenic. Last evaluated: 2022-04-05. Review status: criteria provided, single submitter. Criteria: GeneDx Variant Classification Process June 2021. Collection method: clinical testing. Allele origin: germline. Affected: yes.
Comment: Frameshift variant predicted to result in protein truncation, as the last 66 amino acids are replaced with 23 different amino acids, and other loss-of-function variants have been reported downstream in the Human Gene Mutation Database (HGMD); This variant is associated with the following publications: (PMID: 9837822, 22443290, 28587998, 22588163, 31980526, 25296067, 31589614, 33386952, 33004071, 25284246, 30282619, 33329754)

Kasturba Medical College, Manipal, Kasturba Medical College, Manipal, Manipal Academy of Higher Education, Manipal, India
Classification: Pathogenic for Vitamin D-dependent rickets, type 1A. Last evaluated: 2022-01-13. Review status: criteria provided, single submitter. Criteria: ACMG Guidelines, 2015. Collection method: clinical testing. Allele origin: germline. Inheritance: Autosomal recessive inheritance. Affected: yes. Observed: 1 homozygote.